The following is an entry in ClinVar:

NM_001330700.2(TOP2B):c.179A>C (p.Gln60Pro)

Gene: TOP2B (DNA topoisomerase II beta; minus strand). Cytogenetic location: 3p24.2.
Variant type: single nucleotide variant.
Coding change: c.179A>C on transcript NM_001330700.2 (MANE Select); coding-DNA position 179, A replaced by C.
Protein change: p.Gln60Pro; replaces glutamine 60 with proline.
Molecular consequence: missense variant.
Genome position (GRCh38, 1-based): chr3:25,645,361, T>G on the plus strand (A>C on the coding strand, the complement: TOP2B is on the minus strand). VCF-style: chr3-25645361-T-G. GRCh37 (hg19) VCF-style: chr3-25686852-T-G.
Other names: c.164A>C, p.Gln55Pro (NM_001068.3); short protein forms Q55P, Q60P.
Identifiers: ClinVar variation 2429484 (VCV002429484.1), dbSNP rs2470387937, ClinGen allele CA351914870.
Genomic context (GRCh38, chr3:25,645,361, plus strand): 5'-TGCGTCAATGGCTCCACTGACCCAATATATGTATCAGGACGAAGAAGAATGTGTTCAAGT[T>G]GTGTCTTCTTCTGATACACTCTCTCAACAGACAACTTCTTTGAAGAATCATTTTTGTTGG-3'
Protein context (NP_001317629.1, residues 50-70): SVERVYQKKT[Gln60Pro]LEHILLRPDT

ClinVar aggregate classification (germline): Uncertain significance (1 of 4 stars; one submission).

Submission:

GeneDx
Classification: Uncertain significance. Last evaluated: 2022-08-10. Review status: criteria provided, single submitter. Criteria: GeneDx Variant Classification Process June 2021. Collection method: clinical testing. Allele origin: germline. Affected: yes.
Comment: Not observed at significant frequency in large population cohorts (gnomAD); In silico analysis supports that this missense variant has a deleterious effect on protein structure/function; Has not been previously published as pathogenic or benign to our knowledge